The following is an entry in ClinVar:

ClinVar aggregate classification (germline): Uncertain significance (1 of 4 stars; one submission).

Conditions:
Amyotrophic lateral sclerosis type 4 (ALS4). Also called: NEURONOPATHY, DISTAL HEREDITARY MOTOR, WITH PYRAMIDAL FEATURES; AMYOTROPHIC LATERAL SCLEROSIS 4, JUVENILE. Identifiers: Orphanet 357043, MedGen C1865409, MONDO:0011223, OMIM 602433.
Spinocerebellar ataxia, autosomal recessive, with axonal neuropathy 2 (SCAN2). Also called: Ataxia with Oculomotor Apraxia; ATAXIA-OCULOMOTOR APRAXIA 2; Ataxia-ocular apraxia-2; Ataxia with Oculomotor Apraxia Type 2. Identifiers: Orphanet 64753, MedGen C1853761, MONDO:0018996, OMIM 606002.

Submission:

Labcorp Genetics (formerly Invitae), Labcorp
Classification: Uncertain significance for Amyotrophic lateral sclerosis type 4; Spinocerebellar ataxia, autosomal recessive, with axonal neuropathy 2. Last evaluated: 2021-04-06. Review status: criteria provided, single submitter. Criteria: Invitae Variant Classification Sherloc (09022015). Collection method: clinical testing. Allele origin: germline.
Comment: In summary, the available evidence is currently insufficient to determine the role of this variant in disease. Therefore, it has been classified as a Variant of Uncertain Significance. Advanced modeling of protein sequence and biophysical properties (such as structural, functional, and spatial information, amino acid conservation, physicochemical variation, residue mobility, and thermodynamic stability) performed at Invitae indicates that this missense variant is not expected to disrupt SETX protein function. This variant has not been reported in the literature in individuals with SETX-related conditions. This variant is not present in population databases (ExAC no frequency). This sequence change replaces serine with arginine at codon 2620 of the SETX protein (p.Ser2620Arg). The serine residue is weakly conserved and there is a moderate physicochemical difference between serine and arginine.

NM_015046.7(SETX):c.7860C>A (p.Ser2620Arg)

Gene: SETX (senataxin; minus strand). Cytogenetic location: 9q34.13.
Variant type: single nucleotide variant.
Coding change: c.7860C>A on transcript NM_015046.7 (MANE Select); coding-DNA position 7860, C replaced by A.
Protein change: p.Ser2620Arg; replaces serine 2620 with arginine.
Molecular consequence: missense variant.
Genome position (GRCh38, 1-based): chr9:132,264,413, G>T on the plus strand (C>A on the coding strand, the complement: SETX is on the minus strand). VCF-style: chr9-132264413-G-T. GRCh37 (hg19) VCF-style: chr9-135139800-G-T.
Other names: c.7860C>A, p.Ser2620Arg (NM_001351527.2); c.7947C>A, p.Ser2649Arg (NM_001351528.2); short protein forms S2620R, S2649R.
Identifiers: ClinVar variation 1408945 (VCV001408945.8), dbSNP rs778362262, ClinGen allele CA375321284.